The following is an entry in ClinVar:

ClinVar aggregate classification (germline): Likely benign (1 of 4 stars; one submission).

Allele frequency attached by ClinVar (database versions not stated): TOPMed 0.00002; gnomAD 0.00001; ExAC 0.00002; gnomAD exomes 0.00002.
gnomAD v4.1: 32 of 1,613,950 alleles (0.002%); highest among the groups gnomAD compares: South Asian, 0.018%; no homozygotes.

Submission:

CeGaT Center for Human Genetics Tuebingen
Classification: Likely benign. Last evaluated: 2022-03-01. Review status: criteria provided, single submitter. Criteria: CeGaT Center For Human Genetics Tuebingen Variant Classification Criteria Version 2. Collection method: clinical testing. Allele origin: germline. Affected: yes. Observed: 1 variant allele.
Comment: NSD2: BP4, BP7

NM_001042424.3(NSD2):c.1278G>A (p.Thr426=)

Gene: NSD2 (nuclear receptor binding SET domain protein 2; plus strand). Cytogenetic location: 4p16.3.
Variant type: single nucleotide variant.
Coding change: c.1278G>A on transcript NM_001042424.3 (MANE Select); coding-DNA position 1278, G replaced by A.
Protein change: p.Thr426=; no amino-acid change (threonine 426 retained).
Molecular consequence: synonymous variant.
Genome position (GRCh38, 1-based): chr4:1,918,491, G>A. VCF-style: chr4-1918491-G-A. GRCh37 (hg19) VCF-style: chr4-1920218-G-A.
Other names: c.1278G>A, p.Thr426= (NM_007331.2, NM_133330.3, NM_133331.3 and 2 more transcripts).
Identifiers: ClinVar variation 2654581 (VCV002654581.24), dbSNP rs776629477, ClinGen allele CA2812051.